The following is an entry in ClinVar:

NM_017763.6(RNF43):c.499A>G (p.Asn167Asp)

Gene: RNF43 (ring finger protein 43; minus strand). Cytogenetic location: 17q22.
Variant type: single nucleotide variant.
Coding change: c.499A>G on transcript NM_017763.6 (MANE Select); coding-DNA position 499, A replaced by G.
Protein change: p.Asn167Asp; replaces asparagine 167 with aspartic acid.
Molecular consequence: missense variant.
Genome position (GRCh38, 1-based): chr17:58,363,358, T>C on the plus strand (A>G on the coding strand, the complement: RNF43 is on the minus strand). VCF-style: chr17-58363358-T-C. GRCh37 (hg19) VCF-style: chr17-56440719-T-C.
Other names: c.499A>G, p.Asn167Asp (NM_001305544.3); c.118A>G, p.Asn40Asp (NM_001305545.2); c.499A>G (NM_017763.4); short protein forms N167D, N40D.
Identifiers: ClinVar variation 1390442 (VCV001390442.7), dbSNP rs1972881180, ClinGen allele CA400338382.

ClinVar aggregate classification (germline): Uncertain significance. Review status: criteria provided, multiple submitters, no conflicts (2 of 4 stars). 2 submissions from 2 submitters: Uncertain significance (2). Last evaluated 2025-08-22.

Allele frequency attached by ClinVar (database versions not stated): gnomAD exomes below 0.00001; gnomAD 0.00001.
gnomAD v4.1: 6 of 1,613,370 alleles (0.00037%); highest among the groups gnomAD compares: Non-Finnish European, 0.00051%; no homozygotes.

Submissions (2):

Ambry Genetics
Classification: Uncertain significance. Last evaluated: 2025-08-22. Review status: criteria provided, single submitter. Criteria: Ambry Variant Classification Scheme 2023. Collection method: clinical testing. Allele origin: germline.
Comment: The p.N167D variant (also known as c.499A>G), located in coding exon 4 of the RNF43 gene, results from an A to G substitution at nucleotide position 499. The asparagine at codon 167 is replaced by aspartic acid, an amino acid with highly similar properties. This amino acid position is conserved. In addition, this alteration is predicted to be tolerated by in silico analysis. Based on the available evidence, the clinical significance of this variant remains unclear.

Labcorp Genetics (formerly Invitae), Labcorp
Classification: Uncertain significance. Last evaluated: 2021-11-13. Review status: criteria provided, single submitter. Criteria: Invitae Variant Classification Sherloc (09022015). Collection method: clinical testing. Allele origin: germline.
Comment: In summary, the available evidence is currently insufficient to determine the role of this variant in disease. Therefore, it has been classified as a Variant of Uncertain Significance. Algorithms developed to predict the effect of missense changes on protein structure and function (SIFT, PolyPhen-2, Align-GVGD) all suggest that this variant is likely to be tolerated. This variant has not been reported in the literature in individuals affected with RNF43-related conditions. This variant is not present in population databases (gnomAD no frequency). This sequence change replaces asparagine, which is neutral and polar, with aspartic acid, which is acidic and polar, at codon 167 of the RNF43 protein (p.Asn167Asp).